The following is an entry in ClinVar:

NM_001101362.3(KBTBD13):c.1025A>G (p.Tyr342Cys)

Gene: KBTBD13 (kelch repeat and BTB domain containing 13; plus strand). Cytogenetic location: 15q22.31.
Variant type: single nucleotide variant.
Coding change: c.1025A>G on transcript NM_001101362.3 (MANE Select); coding-DNA position 1025, A replaced by G.
Protein change: p.Tyr342Cys; replaces tyrosine 342 with cysteine.
Molecular consequence: missense variant.
Genome position (GRCh38, 1-based): chr15:65,077,840, A>G. VCF-style: chr15-65077840-A-G. GRCh37 (hg19) VCF-style: chr15-65370178-A-G.
Other names: short protein forms Y342C.
Identifiers: ClinVar variation 2155087 (VCV002155087.6), dbSNP rs908712428, ClinGen allele CA271504496.
Genomic context (GRCh38, chr15:65,077,840, plus strand): 5'-AGTACGCAGTGCGGACCGACGCGTGGCTGCCAGTGGCCGAGCTGCGGCGTCCGCAGAGCT[A>G]TGGCCACTGCATGGTGGCCCACCGCGACAGCCTCTATGTGGTGCGCAACGGACCTTCCGA-3'
Protein context (NP_001094832.1, residues 332-352): PVAELRRPQS[Tyr342Cys]GHCMVAHRDS

ClinVar aggregate classification (germline): Uncertain significance. Review status: criteria provided, multiple submitters, no conflicts (2 of 4 stars). 2 submissions from 2 submitters: Uncertain significance (2). Last evaluated 2025-06-09.

Conditions:
Nemaline myopathy 6 (NEM6). Also called: Nemaline myopathy 6, autosomal dominant. Identifiers: Orphanet 171439, MedGen C1836472, MONDO:0012237, OMIM 609273.
Inborn genetic diseases. Identifiers: MedGen C0950123, MeSH D030342.

Allele frequency attached by ClinVar (database versions not stated): gnomAD exomes below 0.00001; gnomAD 0.00003; TOPMed 0.00003.

Submissions (2):

Labcorp Genetics (formerly Invitae), Labcorp
Classification: Uncertain significance for Nemaline myopathy 6. Last evaluated: 2025-06-09. Review status: criteria provided, single submitter. Criteria: Invitae Variant Classification Sherloc (09022015). Collection method: clinical testing. Allele origin: germline.
Comment: This sequence change replaces tyrosine, which is neutral and polar, with cysteine, which is neutral and slightly polar, at codon 342 of the KBTBD13 protein (p.Tyr342Cys). This variant is present in population databases (no rsID available, gnomAD 0.009%). This variant has not been reported in the literature in individuals affected with KBTBD13-related conditions. ClinVar contains an entry for this variant (Variation ID: 2155087). Invitae Evidence Modeling of protein sequence and biophysical properties (such as structural, functional, and spatial information, amino acid conservation, physicochemical variation, residue mobility, and thermodynamic stability) indicates that this missense variant is not expected to disrupt KBTBD13 protein function with a negative predictive value of 80%. In summary, the available evidence is currently insufficient to determine the role of this variant in disease. Therefore, it has been classified as a Variant of Uncertain Significance.

Ambry Genetics
Classification: Uncertain significance for Inborn genetic diseases. Last evaluated: 2023-04-13. Review status: criteria provided, single submitter. Criteria: Ambry Variant Classification Scheme 2023. Collection method: clinical testing. Allele origin: germline.